The following is an entry in ClinVar:

ClinVar aggregate classification (germline): Uncertain significance (1 of 4 stars; one submission).

Conditions:
NCOA1-related disorder. Also called: NCOA1-related condition.

gnomAD v4.1: 29 of 1,614,096 alleles (0.0018%); highest among the groups gnomAD compares: Admixed American, 0.005%; no homozygotes.

Submission:

PreventionGenetics, part of Exact Sciences
Classification: Uncertain significance for NCOA1-related condition. Last evaluated: 2026-06-01. Review status: criteria provided, single submitter. Criteria: ACMG Guidelines, 2015. Collection method: clinical testing. Allele origin: germline.
Comment: The NCOA1 c.1592G>A variant is predicted to result in the amino acid substitution p.Arg531Gln. To our knowledge, this variant has not been reported in the literature. This variant is reported in 0.0029% of alleles in individuals of Latino descent in gnomAD. At this time, the clinical significance of this variant is uncertain due to the absence of conclusive functional and genetic evidence.

NM_003743.5(NCOA1):c.1592G>A (p.Arg531Gln)

Gene: NCOA1 (nuclear receptor coactivator 1; plus strand). Cytogenetic location: 2p23.3.
Variant type: single nucleotide variant.
Coding change: c.1592G>A on transcript NM_003743.5 (MANE Select); coding-DNA position 1592, G replaced by A.
Protein change: p.Arg531Gln; replaces arginine 531 with glutamine.
Molecular consequence: missense variant.
Genome position (GRCh38, 1-based): chr2:24,707,062, G>A. VCF-style: chr2-24707062-G-A. GRCh37 (hg19) VCF-style: chr2-24929931-G-A.
Other names: c.1592G>A, p.Arg531Gln (NM_001362950.1, NM_001362952.1, NM_001362954.1 and 3 more transcripts); short protein forms R531Q.
Identifiers: ClinVar variation 4983365 (VCV004983365.1).